The following is an entry in ClinVar:

NM_001005361.3(DNM2):c.2017G>A (p.Asp673Asn)

Gene: DNM2 (dynamin 2; plus strand). Cytogenetic location: 19p13.2.
Variant type: single nucleotide variant.
Coding change: c.2017G>A on transcript NM_001005361.3 (MANE Select); coding-DNA position 2017, G replaced by A.
Protein change: p.Asp673Asn; replaces aspartic acid 673 with asparagine.
Molecular consequence: missense variant.
Genome position (GRCh38, 1-based): chr19:10,825,180, G>A. VCF-style: chr19-10825180-G-A. GRCh37 (hg19) VCF-style: chr19-10935856-G-A.
Other names: c.2017G>A (NM_001005360.2); c.2017G>A, p.Asp673Asn (NM_001005360.3, NM_001190716.2); c.2005G>A, p.Asp669Asn (NM_001005362.3, NM_004945.4); short protein forms D669N, D673N.
Identifiers: ClinVar variation 1061447 (VCV001061447.10), dbSNP rs1423993325, ClinGen allele CA404041651.
Genomic context (GRCh38, chr19:10,825,180, plus strand): 5'-GTGGAGACCATTCGCAACCTGGTGGACTCATACGTGGCCATCATCAACAAGTCCATCCGC[G>A]ACCTCATGCCAAAGACCATCATGCACCTCATGATCAACAATGTGAGTGGAGAACTAAAAA-3'
Protein context (NP_001005361.1, residues 663-683): YVAIINKSIR[Asp673Asn]LMPKTIMHLM

ClinVar aggregate classification (germline): Uncertain significance. Review status: criteria provided, multiple submitters, no conflicts (2 of 4 stars). 2 submissions from 2 submitters: Uncertain significance (2). Last evaluated 2023-12-06.

Conditions:
Inborn genetic diseases. Identifiers: MedGen C0950123, MeSH D030342.
Charcot-Marie-Tooth disease dominant intermediate B (CMTDIB). Also called: CHARCOT-MARIE-TOOTH NEUROPATHY, DOMINANT INTERMEDIATE B; Charcot-Marie-Tooth disease dominant intermediate 1; CMT DI1; Charcot-Marie-Tooth disease dominant intermediate I. Identifiers: Orphanet 100044, Orphanet 228179, MedGen C1847902, MONDO:0011674, OMIM 606482.

Allele frequency attached by ClinVar (database versions not stated): gnomAD 0.00001; TOPMed 0.00002.
gnomAD v4.1: 3 of 1,614,050 alleles (0.00019%); highest among the groups gnomAD compares: Non-Finnish European, 0.00025%; no homozygotes.

Submissions (2):

Labcorp Genetics (formerly Invitae), Labcorp
Classification: Uncertain significance for Charcot-Marie-Tooth disease dominant intermediate B. Last evaluated: 2023-12-06. Review status: criteria provided, single submitter. Criteria: Invitae Variant Classification Sherloc (09022015). Collection method: clinical testing. Allele origin: germline.
Comment: This sequence change replaces aspartic acid, which is acidic and polar, with asparagine, which is neutral and polar, at codon 673 of the DNM2 protein (p.Asp673Asn). This variant is present in population databases (no rsID available, gnomAD 0.007%). This variant has not been reported in the literature in individuals affected with DNM2-related conditions. ClinVar contains an entry for this variant (Variation ID: 1061447). Advanced modeling of protein sequence and biophysical properties (such as structural, functional, and spatial information, amino acid conservation, physicochemical variation, residue mobility, and thermodynamic stability) has been performed at Invitae for this missense variant, however the output from this modeling did not meet the statistical confidence thresholds required to predict the impact of this variant on DNM2 protein function. In summary, the available evidence is currently insufficient to determine the role of this variant in disease. Therefore, it has been classified as a Variant of Uncertain Significance.

Ambry Genetics
Classification: Uncertain significance for Inborn genetic diseases. Last evaluated: 2022-01-10. Review status: criteria provided, single submitter. Criteria: Ambry Variant Classification Scheme 2023. Collection method: clinical testing. Allele origin: germline.